The following is an entry in ClinVar:

ClinVar aggregate classification (germline): Pathogenic (1 of 4 stars; one submission).

Conditions:
Hereditary breast ovarian cancer syndrome. Also called: Hereditary breast and ovarian cancer syndrome; BRCA1- and BRCA2-Associated Hereditary Breast and Ovarian Cancer; Breast and ovarian cancer; Hereditary breast and/or ovarian cancer syndrome; Hereditary breast and ovarian cancer syndrome (HBOC); Hereditary breast and ovarian cancer. Identifiers: Orphanet 145, MedGen C0677776, MeSH D061325, MONDO:0003582. Disease mechanism: loss of function.

Submission:

Labcorp Genetics (formerly Invitae), Labcorp
Classification: Pathogenic for Hereditary breast ovarian cancer syndrome. Last evaluated: 2021-04-12. Review status: criteria provided, single submitter. Criteria: Invitae Variant Classification Sherloc (09022015). Collection method: clinical testing. Allele origin: germline.
Comment: For these reasons, this variant has been classified as Pathogenic. This variant has not been reported in the literature in individuals with BRCA1-related conditions. This variant is not present in population databases (ExAC no frequency). This sequence change creates a premature translational stop signal (p.Leu63Phefs*7) in the BRCA1 gene. It is expected to result in an absent or disrupted protein product. Loss-of-function variants in BRCA1 are known to be pathogenic (PMID: 20104584).

Literature cited by the submitters: PubMed 20104584.

NM_007294.4(BRCA1):c.187_188dup (p.Leu63fs)

Gene: BRCA1 (BRCA1 DNA repair associated; minus strand). Cytogenetic location: 17q21.31.
Variant type: Duplication.
Coding change: c.187_188dup on transcript NM_007294.4 (MANE Select); coding-DNA positions 187 to 188, 2 bases duplicated (TT; older notation c.187_188dupTT).
Protein change: p.Leu63fs; shifts the reading frame from leucine 63.
Molecular consequence: frameshift variant. On other transcripts: non-coding transcript variant (1).
Genome position (GRCh38, 1-based): chr17:43,106,480-43,106,481, AA duplicated on the plus strand (TT on the coding strand, the reverse complement: BRCA1 is on the minus strand); duplicating any 2 consecutive bases within chr17:43,106,480-43,106,482 gives the same sequence; the c. name uses the placement nearest the transcript's 3' end. VCF-style (leftmost placement, unchanged base first): chr17-43106479-T-TAA. GRCh37 (hg19) VCF-style: chr17-41258496-T-TAA.
Other names: c.186_187dup, p.Leu63Phefs (NM_001407629.1, NM_001407630.1, NM_001407631.1 and 166 more transcripts); c.-3_-2dup (NM_001407571.1, NM_001407853.1, NM_001407879.1 and 58 more transcripts); c.45_46dup, p.Leu16Phefs (NM_001407692.1, NM_001407694.1, NM_001407695.1 and 98 more transcripts); c.46_47dup, p.Leu16fs (NM_007297.4); c.187_188dup, p.Leu63fs (NM_007299.4, NM_007300.4); short protein forms L16fs, L63fs.
Identifiers: ClinVar variation 1407446 (VCV001407446.7), dbSNP rs1555597235, ClinGen allele CA2573154049.